The following is an entry in ClinVar:

ClinVar aggregate classification (germline): Uncertain significance (1 of 4 stars; one submission).

Conditions:
Malignant hyperthermia, susceptibility to, 5 (MHS5). Also called: CACNA1S-Related Malignant Hyperthermia Susceptibility. Identifiers: Orphanet 423, MedGen C1866077, MONDO:0011163, OMIM 601887.

gnomAD v4.1: 3 of 1,614,166 alleles (0.00019%); highest among the groups gnomAD compares: Non-Finnish European, 0.00025%; no homozygotes.

Submission:

All of Us Research Program, National Institutes of Health
Classification: Uncertain significance for Malignant hyperthermia, susceptibility to, 5. Last evaluated: 2024-05-30. Review status: criteria provided, single submitter. Criteria: ACMG Guidelines, 2015. Collection method: clinical testing. Allele origin: germline. Inheritance: Autosomal dominant inheritance. Observed: 1 variant allele, 1 heterozygote.
Comment: This missense variant replaces asparagine with aspartic acid at codon 445 of the CACNA1S protein. Computational prediction suggests that this variant may have deleterious impact on protein structure and function (internally defined REVEL score threshold >= 0.7, PMID: 27666373). To our knowledge, functional studies have not been reported for this variant. This variant has not been reported in individuals affected with CACNA1S-related disorders in the literature. This variant has not been identified in the general population by the Genome Aggregation Database (gnomAD). The available evidence is insufficient to determine the role of this variant in disease conclusively. Therefore, this variant is classified as a Variant of Uncertain Significance.

This study involves interpretation of variants in research participants for the purpose of population health screening. Participant phenotype was not available at the time of variant classification. Additional details can be found in publication PMID: 35346344, PMCID: PMC8962531

NM_000069.3(CACNA1S):c.1333A>G (p.Asn445Asp)

Gene: CACNA1S (calcium voltage-gated channel subunit alpha1 S; minus strand). Cytogenetic location: 1q32.1.
Variant type: single nucleotide variant.
Coding change: c.1333A>G on transcript NM_000069.3 (MANE Select); coding-DNA position 1333, A replaced by G.
Protein change: p.Asn445Asp; replaces asparagine 445 with aspartic acid.
Molecular consequence: missense variant.
Genome position (GRCh38, 1-based): chr1:201,083,222, T>C on the plus strand (A>G on the coding strand, the complement: CACNA1S is on the minus strand). VCF-style: chr1-201083222-T-C. GRCh37 (hg19) VCF-style: chr1-201052350-T-C.
Other names: short protein forms N445D.
Identifiers: ClinVar variation 3386386 (VCV003386386.1).